The following is an entry in ClinVar:

NM_001401501.2(MUC16):c.2277G>A (p.Lys759=)

Gene: MUC16 (mucin 16, cell surface associated; minus strand). Cytogenetic location: 19p13.2.
Variant type: single nucleotide variant.
Coding change: c.2277G>A on transcript NM_001401501.2 (MANE Select); coding-DNA position 2277, G replaced by A.
Protein change: p.Lys759=; no amino-acid change (lysine 759 retained).
Molecular consequence: synonymous variant.
Genome position (GRCh38, 1-based): chr19:8,978,982, C>T on the plus strand (G>A on the coding strand, the complement: MUC16 is on the minus strand). VCF-style: chr19-8978982-C-T. GRCh37 (hg19) VCF-style: chr19-9089658-C-T.
Other names: c.2703G>A, p.Lys901= (NM_001414686.1); c.2157G>A, p.Lys719= (NM_001414687.1, NM_024690.2).
Identifiers: ClinVar variation 2649271 (VCV002649271.25), dbSNP rs147920442, ClinGen allele CA9173254.

ClinVar aggregate classification (germline): Likely benign. Review status: criteria provided, single submitter (1 of 4 stars). 2 submissions from 2 submitters: Likely benign (1). 1 of the submissions does not count toward it. Last evaluated 2022-12-01.

Conditions:
MUC16-related disorder. Also called: MUC16-related condition.

Allele frequency attached by ClinVar (database versions not stated): 1000 Genomes Project 0.00120; TOPMed 0.00295; gnomAD 0.00300; gnomAD exomes 0.00385; ExAC 0.00396; ESP Exome Variant Server 0.00411; 1000 Genomes Project 30x 0.00094.

Submissions (2):

CeGaT Center for Human Genetics Tuebingen
Classification: Likely benign. Last evaluated: 2022-12-01. Review status: criteria provided, single submitter. Criteria: CeGaT Center For Human Genetics Tuebingen Variant Classification Criteria Version 2. Collection method: clinical testing. Allele origin: germline. Affected: yes. Observed: 4 variant alleles.
Comment: MUC16: BP4, BP7, BS2

PreventionGenetics, part of Exact Sciences
Classification: Benign for MUC16-related condition. Last evaluated: 2019-06-11. Review status: no assertion criteria provided. Collection method: clinical testing. Allele origin: germline. Not counted in ClinVar's aggregate classification.
Comment: This variant is classified as benign based on ACMG/AMP sequence variant interpretation guidelines (Richards et al. 2015 PMID: 25741868, with internal and published modifications).